The following is an entry in ClinVar:

NM_003640.5(ELP1):c.1644-1G>T

Gene: ELP1 (elongator acetyltransferase complex subunit 1; minus strand). Cytogenetic location: 9q31.3.
Variant type: single nucleotide variant.
Coding change: c.1644-1G>T on transcript NM_003640.5 (MANE Select); the canonical splice acceptor site of the intron before coding-DNA position 1644, G replaced by T.
Molecular consequence: splice acceptor variant.
Genome position (GRCh38, 1-based): chr9:108,903,670, C>A on the plus strand (G>T on the coding strand, the complement: ELP1 is on the minus strand). VCF-style: chr9-108903670-C-A. GRCh37 (hg19) VCF-style: chr9-111665950-C-A.
Other names: c.1644-1G>T (NM_003640.4); c.1302-1G>T (NM_001318360.2); c.597-1G>T (NM_001330749.2).
Identifiers: ClinVar variation 1471931 (VCV001471931.8), dbSNP rs1451406050, ClinGen allele CA374426155.

ClinVar aggregate classification (germline): Likely pathogenic. Review status: criteria provided, multiple submitters, no conflicts (2 of 4 stars). 3 submissions from 3 submitters: Likely pathogenic (3). Last evaluated 2026-01-16.

Conditions:
Familial dysautonomia. Also called: FD; HSAN III. Identifiers: Orphanet 1764, MedGen C0013364, MONDO:0009131, OMIM 223900. Disease mechanism: loss of function.

Submissions (3):

Women's Health and Genetics/Laboratory Corporation of America, LabCorp
Classification: Likely pathogenic for Familial dysautonomia. Last evaluated: 2026-01-16. Review status: criteria provided, single submitter. Criteria: LabCorp Variant Classification Summary - May 2015. Collection method: clinical testing. Allele origin: germline.
Comment: Variant summary: ELP1 c.1644-1G>T is located in a canonical splice-site and is predicted to affect mRNA splicing resulting in a significantly altered protein due to either exon skipping, shortening, or inclusion of intronic material. Variants that disrupt the consensus splice site are a relatively common cause of aberrant splicing and loss of ELP1 function. Several computational tools predict a significant impact on normal splicing: Four predict the variant abolishes a canonical 3' acceptor site, three predict the variant strengthens a cryptic 3' acceptor site, and one predicts the variant creates a cryptic 3' acceptor site. However, these predictions have yet to be confirmed by functional studies. The frequency data for this variant in gnomAD is considered unreliable, as metrics indicate poor data quality at this position. To our knowledge, no occurrence of c.1644-1G>T in individuals affected with ELP1-related conditions and no experimental evidence demonstrating its impact on protein function have been reported. ClinVar contains an entry for this variant (Variation ID: 1471931). Based on the evidence outlined above, the variant was classified as likely pathogenic.

Natera, Inc.
Classification: Likely pathogenic for Familial dysautonomia. Last evaluated: 2025-12-12. Review status: criteria provided, single submitter. Criteria: Natera Variant Classification Schema (03/2026). Collection method: clinical testing. Allele origin: germline.
Comment: The c.1644-1G>T variant in ELP1 is a canonical splice acceptor site variant predicted to affect pre-mRNA splicing, which may result in an abnormal transcript and altered protein product. This variant is expected to result in nonsense mediated decay, truncation, or a dysfunctional protein product. This variant is rare in the general population with a frequency below the threshold expected for the associated phenotype(s). Given the available evidence, this variant is classified as Likely Pathogenic.

Labcorp Genetics (formerly Invitae), Labcorp
Classification: Likely pathogenic. Last evaluated: 2023-04-05. Review status: criteria provided, single submitter. Criteria: Invitae Variant Classification Sherloc (09022015). Collection method: clinical testing. Allele origin: germline.
Comment: This sequence change affects an acceptor splice site in intron 14 of the ELP1 gene. It is expected to disrupt RNA splicing. Variants that disrupt the donor or acceptor splice site typically lead to a loss of protein function (PMID: 16199547), and loss-of-function variants in ELP1 are known to be pathogenic (PMID: 18303054, 24173031). The frequency data for this variant in the population databases is considered unreliable, as metrics indicate poor data quality at this position in the gnomAD database. This variant has not been reported in the literature in individuals affected with ELP1-related conditions. ClinVar contains an entry for this variant (Variation ID: 1471931). Algorithms developed to predict the effect of sequence changes on RNA splicing suggest that this variant may disrupt the consensus splice site. In summary, the currently available evidence indicates that the variant is pathogenic, but additional data are needed to prove that conclusively. Therefore, this variant has been classified as Likely Pathogenic.

Literature cited by the submitters: PubMed 16199547 (cited by Labcorp Genetics (formerly Invitae), Labcorp); PubMed 18303054 (cited by Labcorp Genetics (formerly Invitae), Labcorp); PubMed 24173031 (cited by Labcorp Genetics (formerly Invitae), Labcorp).